The following is an entry in ClinVar:

NM_013336.4(SEC61A1):c.812G>A (p.Arg271His)

Genes: RUVBL1 (RuvB like AAA ATPase 1; minus strand), SEC61A1 (SEC61 translocon subunit alpha 1; plus strand). Cytogenetic location: 3q21.3.
Variant type: single nucleotide variant.
Coding change: c.812G>A on transcript NM_013336.4 (MANE Select); coding-DNA position 812, G replaced by A.
Protein change: p.Arg271His; replaces arginine 271 with histidine.
Molecular consequence: missense variant. On other transcripts: intron variant (1).
Genome position (GRCh38, 1-based): chr3:128,066,988, G>A. VCF-style: chr3-128066988-G-A. GRCh37 (hg19) VCF-style: chr3-127785831-G-A.
Other names: c.830G>A, p.Arg277His (NM_001400328.1); c.653G>A, p.Arg218His (NM_001400329.1); c.940-1768C>T (NM_001319086.1); short protein forms R218H, R271H, R277H.
Identifiers: ClinVar variation 3612231 (VCV003612231.2).

ClinVar aggregate classification (germline): Uncertain significance (1 of 4 stars; one submission).

gnomAD v4.1: 20 of 1,614,050 alleles (0.0012%); highest among the groups gnomAD compares: East Asian, 0.0022%; no homozygotes.

Submission:

Labcorp Genetics (formerly Invitae), Labcorp
Classification: Uncertain significance. Last evaluated: 2024-03-07. Review status: criteria provided, single submitter. Criteria: Invitae Variant Classification Sherloc (09022015). Collection method: clinical testing. Allele origin: germline.
Comment: This sequence change replaces arginine, which is basic and polar, with histidine, which is basic and polar, at codon 271 of the SEC61A1 protein (p.Arg271His). This variant is not present in population databases (gnomAD no frequency). This variant has not been reported in the literature in individuals affected with SEC61A1-related conditions. Advanced modeling of protein sequence and biophysical properties (such as structural, functional, and spatial information, amino acid conservation, physicochemical variation, residue mobility, and thermodynamic stability) performed at Invitae indicates that this missense variant is not expected to disrupt SEC61A1 protein function with a negative predictive value of 80%. In summary, the available evidence is currently insufficient to determine the role of this variant in disease. Therefore, it has been classified as a Variant of Uncertain Significance.